The following is an entry in ClinVar:

ClinVar aggregate classification (germline): Conflicting classifications of pathogenicity. Review status: criteria provided, conflicting classifications (1 of 4 stars). 6 submissions from 6 submitters: Uncertain significance (5); Likely benign (1). Last evaluated 2022-12-30.

Conditions:
Autosomal dominant nonsyndromic hearing loss 40. Also called: Deafness, autosomal dominant 40. Identifiers: Orphanet 90635, MedGen C4084708, MONDO:0014603, OMIM 616357.

Allele frequency attached by ClinVar (database versions not stated): gnomAD 0.00002; TOPMed 0.00002; gnomAD exomes 0.00003 and 0.00006; ExAC 0.00007.

Submissions (6):

Laboratorio de Genetica e Diagnostico Molecular, Hospital Israelita Albert Einstein
Classification: Uncertain significance for Autosomal dominant nonsyndromic hearing loss 40. Last evaluated: 2022-12-30. Review status: criteria provided, single submitter. Criteria: ACMG Guidelines, 2015. Collection method: clinical testing. Allele origin: germline. Affected: yes.
Comment: ACMG classification criteria: PP3 supporting, BS2 strong

Labcorp Genetics (formerly Invitae), Labcorp
Classification: Uncertain significance. Last evaluated: 2022-06-16. Review status: criteria provided, single submitter. Criteria: Invitae Variant Classification Sherloc (09022015). Collection method: clinical testing. Allele origin: germline.
Comment: In summary, the available evidence is currently insufficient to determine the role of this variant in disease. Therefore, it has been classified as a Variant of Uncertain Significance. Algorithms developed to predict the effect of missense changes on protein structure and function (SIFT, PolyPhen-2, Align-GVGD) all suggest that this variant is likely to be disruptive. ClinVar contains an entry for this variant (Variation ID: 163000). This variant has not been reported in the literature in individuals affected with CRYM-related conditions. This variant is present in population databases (rs727502945, gnomAD 0.01%). This sequence change replaces alanine, which is neutral and non-polar, with threonine, which is neutral and polar, at codon 303 of the CRYM protein (p.Ala303Thr).

Blueprint Genetics
Classification: Likely benign. Last evaluated: 2021-12-07. Review status: criteria provided, single submitter. Criteria: ACMG Guidelines, 2015. Collection method: clinical testing. Allele origin: germline.

Fulgent Genetics
Classification: Uncertain significance for Autosomal dominant nonsyndromic hearing loss 40. Last evaluated: 2021-09-07. Review status: criteria provided, single submitter. Criteria: ACMG Guidelines, 2015. Collection method: clinical testing. Allele origin: unknown.

Laboratory for Molecular Medicine, Mass General Brigham Personalized Medicine
Classification: Uncertain significance. Last evaluated: 2013-08-30. Review status: criteria provided, single submitter. Criteria: LMM Criteria. Collection method: clinical testing. Allele origin: germline. Observed: 1 variant allele.
Comment: The Ala303Thr variant in CRYM has not been reported in individuals with hearing loss and is absent in large population studies. Computational analyses (biochemi cal amino acid properties, conservation, AlignGVGD, PolyPhen2, and SIFT) suggest that the Ala303Thr variant may impact the protein, though this information is n ot predictive enough to determine pathogenicity. In summary, additional data is needed to determine the clinical significance of this variant.

Breakthrough Genomics
Classification: Uncertain significance. Review status: criteria provided, single submitter. Criteria: ACMG Guidelines, 2015. Collection method: not provided. Allele origin: germline. Inheritance: Autosomal dominant inheritance. Affected: yes.

NM_001376256.1(CRYM):c.907G>A (p.Ala303Thr)

Gene: CRYM (crystallin mu; minus strand). Cytogenetic location: 16p12.2.
Variant type: single nucleotide variant.
Coding change: c.907G>A on transcript NM_001376256.1 (MANE Select); coding-DNA position 907, G replaced by A.
Protein change: p.Ala303Thr; replaces alanine 303 with threonine.
Molecular consequence: missense variant.
Genome position (GRCh38, 1-based): chr16:21,258,819, C>T on the plus strand (G>A on the coding strand, the complement: CRYM is on the minus strand). VCF-style: chr16-21258819-C-T. GRCh37 (hg19) VCF-style: chr16-21270140-C-T.
Other names: c.907G>A, p.Ala303Thr (NM_001888.5); short protein forms A303T.
Identifiers: ClinVar variation 163000 (VCV000163000.16), dbSNP rs727502945, ClinGen allele CA175583.